The following is an entry in ClinVar:

ClinVar aggregate classification (germline): Likely benign (1 of 4 stars; one submission).

Submission:

GeneDx
Classification: Likely benign. Last evaluated: 2017-05-15. Review status: criteria provided, single submitter. Criteria: GeneDx Variant Classification (06012015). Collection method: clinical testing. Allele origin: germline. Affected: yes.
Comment: This variant is considered likely benign or benign based on one or more of the following criteria: it is a conservative change, it occurs at a poorly conserved position in the protein, it is predicted to be benign by multiple in silico algorithms, and/or has population frequency not consistent with disease.

NM_004415.4(DSP):c.8484_8495del (p.2827_2830SGSR[4])

Gene: DSP (desmoplakin; plus strand). Cytogenetic location: 6p24.3.
Variant type: Deletion.
Coding change: c.8484_8495del on transcript NM_004415.4 (MANE Select); coding-DNA positions 8484 to 8495, 12 bases deleted (CTCCCGCTCGGG).
Protein change: p.2827_2830SGSR[4].
Molecular consequence: inframe deletion.
Genome position (GRCh38, 1-based): chr6:7,585,746-7,585,757, CTCCCGCTCGGG deleted; deleting any 12 consecutive bases within chr6:7,585,744-7,585,757 gives the same sequence; the c. name uses the placement nearest the transcript's 3' end. VCF-style (leftmost placement, unchanged base first): chr6-7585743-CGGCTCCCGCTCG-C. GRCh37 (hg19) VCF-style: chr6-7585976-CGGCTCCCGCTCG-C.
Other names: c.8484_8495del (LRG_423t1); c.6687_6698del, p.2228_2231SGSR[4] (NM_001008844.3); c.7155_7166del, p.2384_2387SGSR[4] (NM_001319034.2).
Identifiers: ClinVar variation 509363 (VCV000509363.1), dbSNP rs1554109274, ClinGen allele CA658796722.